The following is an entry in ClinVar:

NM_018075.5(ANO10):c.1350del (p.Leu451fs)

Gene: ANO10 (anoctamin 10; minus strand). Cytogenetic location: 3p22.1.
Variant type: Deletion.
Coding change: c.1350del on transcript NM_018075.5 (MANE Select); coding-DNA position 1350, one base deleted (T; older notation c.1350delT).
Protein change: p.Leu451fs; shifts the reading frame from leucine 451.
Molecular consequence: frameshift variant.
Genome position (GRCh38, 1-based): chr3:43,561,346, A deleted on the plus strand (T on the coding strand, the reverse complement: ANO10 is on the minus strand); the first of 4 consecutive A bases (chr3:43,561,346-43,561,349); deleting any one gives the same sequence. VCF-style (leftmost placement, unchanged base first): chr3-43561345-GA-G. GRCh37 (hg19) VCF-style: chr3-43602837-GA-G.
Other names: c.1350del, p.Leu451fs (NM_001204831.3, NM_001346463.2, NM_001346464.2 and 3 more transcripts); c.1152del, p.Leu385fs (NM_001204832.3, NM_001346466.2, NM_001346469.2); c.1017del, p.Leu340fs (NM_001204833.3); c.780del, p.Leu261fs (NM_001204834.3); short protein forms L385fs, L340fs, L451fs, L261fs.
Identifiers: ClinVar variation 2881856 (VCV002881856.3), dbSNP rs2529109507, ClinGen allele CA2739278779.

ClinVar aggregate classification (germline): Pathogenic (1 of 4 stars; one submission).

Submission:

Labcorp Genetics (formerly Invitae), Labcorp
Classification: Pathogenic. Last evaluated: 2023-02-16. Review status: criteria provided, single submitter. Criteria: Invitae Variant Classification Sherloc (09022015). Collection method: clinical testing. Allele origin: germline.
Comment: This variant has not been reported in the literature in individuals affected with ANO10-related conditions. For these reasons, this variant has been classified as Pathogenic. This variant is not present in population databases (gnomAD no frequency). This sequence change creates a premature translational stop signal (p.Leu451Phefs*13) in the ANO10 gene. It is expected to result in an absent or disrupted protein product. Loss-of-function variants in ANO10 are known to be pathogenic (PMID: 25089919).

Literature cited by the submitters: PubMed 25089919.